The following is an entry in ClinVar:

ClinVar aggregate classification (germline): Uncertain significance (1 of 4 stars; one submission).

Submission:

Ambry Genetics
Classification: Uncertain significance. Last evaluated: 2022-12-26. Review status: criteria provided, single submitter. Criteria: Ambry Variant Classification Scheme 2023. Collection method: clinical testing. Allele origin: germline.
Comment: The p.C1234Y variant (also known as c.3701G>A), located in coding exon 33 of the KIF1B gene, results from a G to A substitution at nucleotide position 3701. The cysteine at codon 1234 is replaced by tyrosine, an amino acid with highly dissimilar properties. This amino acid position is conserved. In addition, this alteration is predicted to be deleterious by in silico analysis. Since supporting evidence is limited at this time, the clinical significance of this alteration remains unclear.

NM_001365951.3(KIF1B):c.3839G>A (p.Cys1280Tyr)

Gene: KIF1B (kinesin family member 1B; plus strand). Cytogenetic location: 1p36.22.
Variant type: single nucleotide variant.
Coding change: c.3839G>A on transcript NM_001365951.3 (MANE Select); coding-DNA position 3839, G replaced by A.
Protein change: p.Cys1280Tyr; replaces cysteine 1280 with tyrosine.
Molecular consequence: missense variant.
Genome position (GRCh38, 1-based): chr1:10,347,802, G>A. VCF-style: chr1-10347802-G-A. GRCh37 (hg19) VCF-style: chr1-10407860-G-A.
Other names: c.3839G>A, p.Cys1280Tyr (NM_001365952.1); c.3701G>A, p.Cys1234Tyr (NM_015074.3); short protein forms C1280Y, C1234Y.
Identifiers: ClinVar variation 2448740 (VCV002448740.2), dbSNP rs2521792069, ClinGen allele CA338343234.